The following is an entry in ClinVar:

NM_016122.3(CEP83):c.444_445dup (p.Asn149fs)

Gene: CEP83 (centrosomal protein 83; minus strand). Cytogenetic location: 12q22.
Variant type: Microsatellite.
Coding change: c.444_445dup on transcript NM_016122.3 (MANE Select); coding-DNA positions 444 to 445, 2 bases duplicated (TA; older notation c.444_445dupTA).
Protein change: p.Asn149fs; shifts the reading frame from asparagine 149.
Molecular consequence: frameshift variant. On other transcripts: non-coding transcript variant (3), intron variant (2).
Genome position (GRCh38, 1-based): chr12:94,400,954-94,400,955, TA duplicated on the plus strand (TA on the coding strand, the reverse complement: CEP83 is on the minus strand); duplicating any 2 consecutive bases within chr12:94,400,954-94,400,959 gives the same sequence; the c. name uses the placement nearest the transcript's 3' end. VCF-style (leftmost placement, unchanged base first): chr12-94400953-T-TTA. GRCh37 (hg19) VCF-style: chr12-94794729-T-TTA.
Other names: c.444_445dup, p.Asn149fs (NM_001042399.2, NM_001346457.2, NM_001346460.2 and 3 more transcripts); c.132_133dup, p.Asn45fs (NM_001346458.2, NM_001346459.2, NM_001346462.2 and 2 more transcripts); c.324+10738TA[4] (NM_001368041.1); c.12+10738TA[4] (NM_001368042.1); short protein forms N149fs, N45fs.
Identifiers: ClinVar variation 5005204 (VCV005005204.2).

ClinVar aggregate classification (germline): Likely pathogenic (1 of 4 stars; one submission).

Conditions:
Nephronophthisis 18 (NPHP18). Identifiers: Orphanet 655, MedGen C3890591, MONDO:0014374, OMIM 615862.

Submission:

Juno Genomics, Hangzhou Juno Genomics, Inc
Classification: Likely pathogenic for Nephronophthisis 18. Review status: criteria provided, single submitter. Criteria: ACMG Guidelines, 2015. Collection method: clinical testing. Allele origin: germline.
Comment: Null variant in a gene where loss of function (LOF) is a known mechanism of disease.;Absent from controls (or at extremely low frequency if recessive) in Genome Aggregation Database.